The following is an entry in ClinVar:

NM_144997.7(FLCN):c.509A>G (p.Tyr170Cys)

Gene: FLCN (folliculin; minus strand). Cytogenetic location: 17p11.2.
Variant type: single nucleotide variant.
Coding change: c.509A>G on transcript NM_144997.7 (MANE Select); coding-DNA position 509, A replaced by G.
Protein change: p.Tyr170Cys; replaces tyrosine 170 with cysteine.
Molecular consequence: missense variant.
Genome position (GRCh38, 1-based): chr17:17,224,031, T>C on the plus strand (A>G on the coding strand, the complement: FLCN is on the minus strand). VCF-style: chr17-17224031-T-C. GRCh37 (hg19) VCF-style: chr17-17127345-T-C.
Other names: c.563A>G, p.Tyr188Cys (NM_001353229.2); c.509A>G, p.Tyr170Cys (NM_001353230.2, NM_001353231.2, NM_144606.7); short protein forms Y188C, Y170C.
Identifiers: ClinVar variation 4750311 (VCV004750311.1).

ClinVar aggregate classification (germline): Uncertain significance (1 of 4 stars; one submission).

Conditions:
Birt-Hogg-Dube syndrome. Also called: Birt Hogg Dubé syndrome. Identifiers: Orphanet 122, MedGen C0346010, MONDO:0800444.

Submission:

Labcorp Genetics (formerly Invitae), Labcorp
Classification: Uncertain significance for Birt-Hogg-Dube syndrome. Last evaluated: 2025-05-19. Review status: criteria provided, single submitter. Criteria: Invitae Variant Classification Sherloc (09022015). Collection method: clinical testing. Allele origin: germline.
Comment: This sequence change replaces tyrosine, which is neutral and polar, with cysteine, which is neutral and slightly polar, at codon 170 of the FLCN protein (p.Tyr170Cys). This variant is not present in population databases (gnomAD no frequency). This variant has not been reported in the literature in individuals affected with FLCN-related conditions. Invitae Evidence Modeling of protein sequence and biophysical properties (such as structural, functional, and spatial information, amino acid conservation, physicochemical variation, residue mobility, and thermodynamic stability) has been performed for this missense variant. However, the output from this modeling did not meet the statistical confidence thresholds required to predict the impact of this variant on FLCN protein function. In summary, the available evidence is currently insufficient to determine the role of this variant in disease. Therefore, it has been classified as a Variant of Uncertain Significance.